The following is an entry in ClinVar:

NM_000138.5(FBN1):c.1015G>T (p.Ala339Ser)

Genes: FBN1 (fibrillin 1; minus strand), LOC113939944 (Sharpr-MPRA regulatory region 9539; plus strand). Cytogenetic location: 15q21.1.
Variant type: single nucleotide variant.
Coding change: c.1015G>T on transcript NM_000138.5 (MANE Select); coding-DNA position 1015, G replaced by T.
Protein change: p.Ala339Ser; replaces alanine 339 with serine.
Molecular consequence: missense variant.
Genome position (GRCh38, 1-based): chr15:48,520,791, C>A on the plus strand (G>T on the coding strand, the complement: FBN1 is on the minus strand). VCF-style: chr15-48520791-C-A. GRCh37 (hg19) VCF-style: chr15-48812988-C-A.
Other names: short protein forms A339S.
Identifiers: ClinVar variation 1511860 (VCV001511860.8), dbSNP rs2141336224, ClinGen allele CA392347879.
Genomic context (GRCh38, chr15:48,520,791, plus strand): 5'-AGCACTGCATTTTGGTTATGGACTGTGGCAGCTGGTTAGAGCAGCGCCCGTTTGTCAGAG[C>A]TGTGTAACAGTATCCTGGGCGAACATCTGAGGACAAAGAAACACATACACACACACACAT-3'
Protein context (NP_000129.3, residues 329-349): IDVRPGYCYT[Ala339Ser]LTNGRCSNQL

ClinVar aggregate classification (germline): Uncertain significance (1 of 4 stars; one submission).

Conditions:
Marfan syndrome (MFS). Also called: MARFAN SYNDROME, TYPE I; Marfan syndrome type 1; Marfan's syndrome; Marfan syndrome, classic; FBN1-Related Marfan Syndrome. Identifiers: Orphanet 284963, Orphanet 558, MedGen C0024796, MONDO:0007947, OMIM 154700.
Familial thoracic aortic aneurysm and aortic dissection (TAAD). Also called: Thoracic aortic aneurysms and dissections. Identifiers: Orphanet 91387, MedGen C4707243, MONDO:0019625.

Submission:

Labcorp Genetics (formerly Invitae), Labcorp
Classification: Uncertain significance for Marfan syndrome; Familial thoracic aortic aneurysm and aortic dissection. Last evaluated: 2021-02-25. Review status: criteria provided, single submitter. Criteria: Invitae Variant Classification Sherloc (09022015). Collection method: clinical testing. Allele origin: germline.
Comment: This sequence change replaces alanine with serine at codon 339 of the FBN1 protein (p.Ala339Ser). The alanine residue is weakly conserved and there is a moderate physicochemical difference between alanine and serine. This variant is not present in population databases (ExAC no frequency). This variant has not been reported in the literature in individuals with FBN1-related conditions. Advanced modeling of protein sequence and biophysical properties (such as structural, functional, and spatial information, amino acid conservation, physicochemical variation, residue mobility, and thermodynamic stability) performed at Invitae indicates that this missense variant is not expected to disrupt FBN1 protein function. In summary, the available evidence is currently insufficient to determine the role of this variant in disease. Therefore, it has been classified as a Variant of Uncertain Significance.